The following is an entry in ClinVar:

NM_001035.3(RYR2):c.5218C>T (p.Pro1740Ser)

Gene: RYR2 (ryanodine receptor 2; plus strand). Cytogenetic location: 1q43.
Variant type: single nucleotide variant.
Coding change: c.5218C>T on transcript NM_001035.3 (MANE Select); coding-DNA position 5218, C replaced by T.
Protein change: p.Pro1740Ser; replaces proline 1740 with serine.
Molecular consequence: missense variant.
Genome position (GRCh38, 1-based): chr1:237,614,346, C>T. VCF-style: chr1-237614346-C-T. GRCh37 (hg19) VCF-style: chr1-237777646-C-T.
Other names: short protein forms P1740S.
Identifiers: ClinVar variation 1746139 (VCV001746139.2), dbSNP rs2546793018, ClinGen allele CA345404343.

ClinVar aggregate classification (germline): Uncertain significance (1 of 4 stars; one submission).

Conditions:
Cardiovascular phenotype. Identifiers: MedGen CN230736.

Submission:

Ambry Genetics
Classification: Uncertain significance for Cardiovascular phenotype. Last evaluated: 2020-05-28. Review status: criteria provided, single submitter. Criteria: Ambry Variant Classification Scheme 2023. Collection method: clinical testing. Allele origin: germline.
Comment: The p.P1740S variant (also known as c.5218C>T), located in coding exon 37 of the RYR2 gene, results from a C to T substitution at nucleotide position 5218. The proline at codon 1740 is replaced by serine, an amino acid with similar properties. This amino acid position is highly conserved in available vertebrate species. In addition, this alteration is predicted to be tolerated by in silico analysis. Since supporting evidence is limited at this time, the clinical significance of this alteration remains unclear.